The following is an entry in ClinVar:

NM_001035.3(RYR2):c.4715A>G (p.Lys1572Arg)

Gene: RYR2 (ryanodine receptor 2; plus strand). Cytogenetic location: 1q43.
Variant type: single nucleotide variant.
Coding change: c.4715A>G on transcript NM_001035.3 (MANE Select); coding-DNA position 4715, A replaced by G.
Protein change: p.Lys1572Arg; replaces lysine 1572 with arginine.
Molecular consequence: missense variant.
Genome position (GRCh38, 1-based): chr1:237,610,793, A>G. VCF-style: chr1-237610793-A-G. GRCh37 (hg19) VCF-style: chr1-237774093-A-G.
Other names: short protein forms K1572R.
Identifiers: ClinVar variation 4758291 (VCV004758291.1).

ClinVar aggregate classification (germline): Uncertain significance (1 of 4 stars; one submission).

Conditions:
Cardiomyopathy (CMYO). Also called: Cardiomyopathies. Identifiers: Orphanet 167848, MedGen C0878544, MONDO:0004994, HP:0001638. Inheritance: Various modes of inheritance.

gnomAD v4.1: 8 of 1,609,200 alleles (0.0005%); highest among the groups gnomAD compares: Non-Finnish European, 0.00068%; no homozygotes.

Submission:

Color Diagnostics, LLC DBA Color Health
Classification: Uncertain significance for Cardiomyopathy. Last evaluated: 2025-11-10. Review status: criteria provided, single submitter. Criteria: ACMG Guidelines, 2015. Collection method: clinical testing. Allele origin: germline.
Comment: This missense variant replaces lysine with arginine at codon 1572 of the RYR2 protein. Computational prediction suggests that this variant may not impact protein structure and function. To our knowledge, functional studies have not been reported for this variant. This variant has not been reported in individuals affected with RYR2-related disorders in the literature. This variant has been identified in 8/1609200 chromosomes in the general population by the Genome Aggregation Database (gnomAD). The available evidence is insufficient to determine the role of this variant in disease conclusively. Therefore, this variant is classified as a Variant of Uncertain Significance.